The following is an entry in ClinVar:

NM_003906.5(MCM3AP):c.3035G>A (p.Gly1012Glu)

Gene: MCM3AP (minichromosome maintenance complex component 3 associated protein; minus strand). Cytogenetic location: 21q22.3.
Variant type: single nucleotide variant.
Coding change: c.3035G>A on transcript NM_003906.5 (MANE Select); coding-DNA position 3035, G replaced by A.
Protein change: p.Gly1012Glu; replaces glycine 1012 with glutamic acid.
Molecular consequence: missense variant.
Genome position (GRCh38, 1-based): chr21:46,265,520, C>T on the plus strand (G>A on the coding strand, the complement: MCM3AP is on the minus strand). VCF-style: chr21-46265520-C-T. GRCh37 (hg19) VCF-style: chr21-47685434-C-T.
Other names: short protein forms G1012E.
Identifiers: ClinVar variation 1716211 (VCV001716211.5), dbSNP rs2517388001, ClinGen allele CA410560725.

ClinVar aggregate classification (germline): Uncertain significance (1 of 4 stars; one submission).

Submission:

Labcorp Genetics (formerly Invitae), Labcorp
Classification: Uncertain significance. Last evaluated: 2022-08-12. Review status: criteria provided, single submitter. Criteria: Invitae Variant Classification Sherloc (09022015). Collection method: clinical testing. Allele origin: germline.
Comment: In summary, the available evidence is currently insufficient to determine the role of this variant in disease. Therefore, it has been classified as a Variant of Uncertain Significance. This sequence change replaces glycine, which is neutral and non-polar, with glutamic acid, which is acidic and polar, at codon 1012 of the MCM3AP protein (p.Gly1012Glu). This variant is not present in population databases (gnomAD no frequency). This variant has not been reported in the literature in individuals affected with MCM3AP-related conditions. Algorithms developed to predict the effect of missense changes on protein structure and function (SIFT, PolyPhen-2, Align-GVGD) all suggest that this variant is likely to be tolerated.